The following is an entry in ClinVar:

NM_015910.7(WDPCP):c.75+3G>C

Gene: WDPCP (WD repeat containing planar cell polarity effector; minus strand). Cytogenetic location: 2p15.
Variant type: single nucleotide variant.
Coding change: c.75+3G>C on transcript NM_015910.7 (MANE Select); 3 bases into the intron after coding-DNA position 75, G replaced by C.
Molecular consequence: intron variant.
Genome position (GRCh38, 1-based): chr2:63,588,194, C>G on the plus strand (G>C on the coding strand, the complement: WDPCP is on the minus strand). VCF-style: chr2-63588194-C-G. GRCh37 (hg19) VCF-style: chr2-63815328-C-G.
Other names: c.-250+3G>C (NM_001354044.2); c.75+3G>C (NM_001354045.2).
Identifiers: ClinVar variation 2082187 (VCV002082187.4), dbSNP rs2468556126, ClinGen allele CA2580067622.

ClinVar aggregate classification (germline): Uncertain significance (1 of 4 stars; one submission).

Conditions:
Bardet-Biedl syndrome (BBS). Identifiers: Orphanet 110, MedGen C0752166, MONDO:0015229.

Submission:

Labcorp Genetics (formerly Invitae), Labcorp
Classification: Uncertain significance for Bardet-Biedl syndrome. Last evaluated: 2022-07-12. Review status: criteria provided, single submitter. Criteria: Invitae Variant Classification Sherloc (09022015). Collection method: clinical testing. Allele origin: germline.
Comment: This sequence change falls in intron 1 of the WDPCP gene. It does not directly change the encoded amino acid sequence of the WDPCP protein. It affects a nucleotide within the consensus splice site. This variant is not present in population databases (gnomAD no frequency). This variant has not been reported in the literature in individuals affected with WDPCP-related conditions. Variants that disrupt the consensus splice site are a relatively common cause of aberrant splicing (PMID: 17576681, 9536098). Algorithms developed to predict the effect of sequence changes on RNA splicing suggest that this variant is not likely to affect RNA splicing. In summary, the available evidence is currently insufficient to determine the role of this variant in disease. Therefore, it has been classified as a Variant of Uncertain Significance.

Literature cited by the submitters: PubMed 17576681; PubMed 9536098.